The following is an entry in ClinVar:

NM_004539.4(NARS1):c.1187C>T (p.Ala396Val)

Gene: NARS1 (asparaginyl-tRNA synthetase 1; minus strand). Cytogenetic location: 18q21.31.
Variant type: single nucleotide variant.
Coding change: c.1187C>T on transcript NM_004539.4 (MANE Select); coding-DNA position 1187, C replaced by T.
Protein change: p.Ala396Val; replaces alanine 396 with valine.
Molecular consequence: missense variant.
Genome position (GRCh38, 1-based): chr18:57,605,921, G>A on the plus strand (C>T on the coding strand, the complement: NARS1 is on the minus strand). VCF-style: chr18-57605921-G-A. GRCh37 (hg19) VCF-style: chr18-55273153-G-A.
Other names: short protein forms A396V.
Identifiers: ClinVar variation 5005894 (VCV005005894.2).

ClinVar aggregate classification (germline): Uncertain significance (1 of 4 stars; one submission).

Conditions:
Neurodevelopmental disorder with microcephaly, impaired language, and gait abnormalities. Identifiers: MedGen C5436783, MONDO:0100348, OMIM 619091.
Neurodevelopmental disorder with microcephaly, impaired language, epilepsy, and gait abnormalities. Identifiers: MedGen C5436788, MONDO:0030837, OMIM 619092.

Submission:

Juno Genomics, Hangzhou Juno Genomics, Inc
Classification: Uncertain significance for Neurodevelopmental disorder with microcephaly, impaired language, and gait abnormalities; Neurodevelopmental disorder with microcephaly, impaired language, epilepsy, and gait abnormalities. Review status: criteria provided, single submitter. Criteria: ACMG Guidelines, 2015. Collection method: clinical testing. Allele origin: germline.
Comment: Absent from controls (or at extremely low frequency if recessive) in Genome Aggregation Database.;Multiple lines of computational evidence support a deleterious effect on the gene or gene product.